The following is an entry in ClinVar:

NM_033026.6(PCLO):c.13654G>A (p.Gly4552Arg)

Gene: PCLO (piccolo presynaptic cytomatrix protein; minus strand). Cytogenetic location: 7q21.11.
Variant type: single nucleotide variant.
Coding change: c.13654G>A on transcript NM_033026.6 (MANE Select); coding-DNA position 13654, G replaced by A.
Protein change: p.Gly4552Arg; replaces glycine 4552 with arginine.
Molecular consequence: missense variant.
Genome position (GRCh38, 1-based): chr7:82,879,337, C>T on the plus strand (G>A on the coding strand, the complement: PCLO is on the minus strand). VCF-style: chr7-82879337-C-T. GRCh37 (hg19) VCF-style: chr7-82508653-C-T.
Other names: c.13654G>A, p.Gly4552Arg (NM_014510.3); short protein forms G4552R.
Identifiers: ClinVar variation 3210257 (VCV003210257.1), dbSNP rs2535434939, ClinGen allele CA367882134.
Genomic context (GRCh38, chr7:82,879,337, plus strand): 5'-TAAAATGTATTTAATATGAGTGCATTCATTTTATTTTACTGTAAAATTCCTTATTCTTAC[C>T]TTCCATAAGCTTCCCCGTCTGTTCCGCACTTCCCCCAGGAAGAATCTTGGCAATATAGGC-3'
Protein context (NP_149015.2, residues 4542-4562): SAEQTGKLME[Gly4552Arg]MQVLEWNGIP

ClinVar aggregate classification (germline): Uncertain significance (1 of 4 stars; one submission).

Conditions:
Inborn genetic diseases. Identifiers: MedGen C0950123, MeSH D030342.

Allele frequency attached by ClinVar (database versions not stated): gnomAD exomes below 0.00001.
gnomAD v4.1: 1 of 1,601,656 alleles (0.000062%); highest among the groups gnomAD compares: Non-Finnish European, 0.000085%; no homozygotes.

Submission:

Ambry Genetics
Classification: Uncertain significance for Inborn genetic diseases. Last evaluated: 2023-12-29. Review status: criteria provided, single submitter. Criteria: Ambry Variant Classification Scheme 2023. Collection method: clinical testing. Allele origin: germline.
Comment: Occurs in the last base pair of the exon Based on insufficient or conflicting evidence, the clinical significance of this alteration remains unclear.